The following is an entry in ClinVar:

NM_004655.4(AXIN2):c.1709T>A (p.Phe570Tyr)

Gene: AXIN2 (axin 2; minus strand). Cytogenetic location: 17q24.1.
Variant type: single nucleotide variant.
Coding change: c.1709T>A on transcript NM_004655.4 (MANE Select); coding-DNA position 1709, T replaced by A.
Protein change: p.Phe570Tyr; replaces phenylalanine 570 with tyrosine.
Molecular consequence: missense variant.
Genome position (GRCh38, 1-based): chr17:65,537,327, A>T on the plus strand (T>A on the coding strand, the complement: AXIN2 is on the minus strand). VCF-style: chr17-65537327-A-T. GRCh37 (hg19) VCF-style: chr17-63533445-A-T.
Other names: c.1709T>A, p.Phe570Tyr (NM_001363813.1); short protein forms F570Y.
Identifiers: ClinVar variation 3470887 (VCV003470887.1).
Genomic context (GRCh38, chr17:65,537,327, plus strand): 5'-TGGACCTGGCTGGGAGACAAGCCCCACACGGGACACTGCGGTCCGCCCGGCACTTACCCA[A>T]ACTGCTCGCTGGGCATGGTTTCCGGAGCCTTGGAGTGGCTTTTGCATTTCGAGTAGCAGT-3'
Protein context (NP_004646.3, residues 560-580): KAPETMPSEQ[Phe570Tyr]GGSRGSTLPK

ClinVar aggregate classification (germline): Uncertain significance (1 of 4 stars; one submission).

Conditions:
Hereditary cancer-predisposing syndrome. Also called: Tumor predisposition; Neoplastic Syndromes, Hereditary; Hereditary neoplastic syndrome; Hereditary Cancer Syndrome. Identifiers: Orphanet 140162, MedGen C0027672, MeSH D009386, MONDO:0015356.

Submission:

Ambry Genetics
Classification: Uncertain significance for Hereditary cancer-predisposing syndrome. Last evaluated: 2024-11-15. Review status: criteria provided, single submitter. Criteria: Ambry Variant Classification Scheme 2023. Collection method: clinical testing. Allele origin: germline.
Comment: The p.F570Y variant (also known as c.1709T>A), located in coding exon 5 of the AXIN2 gene, results from a T to A substitution at nucleotide position 1709. The phenylalanine at codon 570 is replaced by tyrosine, an amino acid with highly similar properties. This amino acid position is conserved. In addition, this alteration is predicted to be tolerated by in silico analysis. Based on the available evidence, the clinical significance of this variant remains unclear.